The following is an entry in ClinVar:

NM_000516.7(GNAS):c.1153C>T (p.Arg385Cys)

Gene: GNAS (GNAS complex locus; plus strand). Cytogenetic location: 20q13.32.
Variant type: single nucleotide variant.
Coding change: c.1153C>T on transcript NM_000516.7 (MANE Select); coding-DNA position 1153, C replaced by T.
Protein change: p.Arg385Cys; replaces arginine 385 with cysteine.
Molecular consequence: missense variant. On other transcripts: 3 prime UTR variant (2).
Genome position (GRCh38, 1-based): chr20:58,910,797, C>T. VCF-style: chr20-58910797-C-T. GRCh37 (hg19) VCF-style: chr20-57485852-C-T.
Other names: c.1156C>T, p.Arg386Cys (NM_001077488.5); c.1108C>T, p.Arg370Cys (NM_001077489.4); c.*1014C>T (NM_001077490.3); c.976C>T, p.Arg326Cys (NM_001309840.2, NM_001309861.2, NM_001438276.1 and 1 more transcripts); c.1057C>T, p.Arg353Cys (NM_001410912.1); c.3037C>T, p.Arg1013Cys (NM_001410913.1); c.931C>T, p.Arg311Cys (NM_001438273.1, NM_001438274.1, NM_001438275.1); c.*1059C>T (NM_016592.5); and 2 more; short protein forms R371C, R326C, R386C, R1013C, R1028C, R370C, R385C, R353C.
Identifiers: ClinVar variation 4620949 (VCV004620949.2).

ClinVar aggregate classification (germline): Uncertain significance. Review status: criteria provided, multiple submitters, no conflicts (2 of 4 stars). 2 submissions from 2 submitters: Uncertain significance (2). Last evaluated 2025-11-05.

Conditions:
Inborn genetic diseases. Identifiers: MedGen C0950123, MeSH D030342.

Submissions (2):

Ambry Genetics
Classification: Uncertain significance for Inborn genetic diseases. Last evaluated: 2025-11-05. Review status: criteria provided, single submitter. Criteria: Ambry Variant Classification Scheme 2023. Collection method: clinical testing. Allele origin: germline.
Comment: The c.1153C>T (p.R385C) alteration is located in exon 13 (coding exon 13) of the GNAS gene. This alteration results from a C to T substitution at nucleotide position 1153, causing the arginine (R) at amino acid position 385 to be replaced by a cysteine (C). This variant was not reported in population-based cohorts in the Genome Aggregation Database (gnomAD). Another variant at the same codon, c.1154G>A (p.R385H), has been identified in individual(s) with features consistent with pseudohypoparathyroidism (Schwindinger, 1994; Tamada, 2008; Snanoudj, 2020; Ambry internal data). This amino acid position is highly conserved in available vertebrate species. This missense alteration is located in a region that has a low rate of benign missense variation (Lek, 2016; Firth, 2009). This alteration is predicted to be deleterious by in silico analysis. Based on insufficient or conflicting evidence, the clinical significance of this alteration remains unclear.

Labcorp Genetics (formerly Invitae), Labcorp
Classification: Uncertain significance. Last evaluated: 2025-08-12. Review status: criteria provided, single submitter. Criteria: Invitae Variant Classification Sherloc (09022015). Collection method: clinical testing. Allele origin: germline.
Comment: This sequence change replaces arginine, which is basic and polar, with cysteine, which is neutral and slightly polar, at codon 385 of the GNAS protein (p.Arg385Cys). This variant is not present in population databases (gnomAD no frequency). This variant has not been reported in the literature in individuals affected with GNAS-related conditions. Invitae Evidence Modeling of protein sequence and biophysical properties (such as structural, functional, and spatial information, amino acid conservation, physicochemical variation, residue mobility, and thermodynamic stability) indicates that this missense variant is expected to disrupt GNAS protein function with a positive predictive value of 80%. In summary, the available evidence is currently insufficient to determine the role of this variant in disease. Therefore, it has been classified as a Variant of Uncertain Significance.

Literature cited by the submitters: PubMed 7523385 (cited by Ambry Genetics); PubMed 18250541 (cited by Ambry Genetics); PubMed 31886927 (cited by Ambry Genetics).